The following is an entry in ClinVar:

NM_139343.3(BIN1):c.200C>T (p.Thr67Ile)

Gene: BIN1 (bridging integrator 1; minus strand). Cytogenetic location: 2q14.3.
Variant type: single nucleotide variant.
Coding change: c.200C>T on transcript NM_139343.3 (MANE Select); coding-DNA position 200, C replaced by T.
Protein change: p.Thr67Ile; replaces threonine 67 with isoleucine.
Molecular consequence: missense variant.
Genome position (GRCh38, 1-based): chr2:127,070,782, G>A on the plus strand (C>T on the coding strand, the complement: BIN1 is on the minus strand). VCF-style: chr2-127070782-G-A. GRCh37 (hg19) VCF-style: chr2-127828358-G-A.
Other names: c.200C>T, p.Thr67Ile (NM_001320632.2, NM_001320633.2, NM_001320640.2 and 10 more transcripts); c.128C>T, p.Thr43Ile (NM_001320634.1); c.119C>T, p.Thr40Ile (NM_001320642.1); short protein forms T67I, T40I, T43I.
Identifiers: ClinVar variation 4739673 (VCV004739673.1).

ClinVar aggregate classification (germline): Uncertain significance (1 of 4 stars; one submission).

Conditions:
Myopathy, centronuclear, 2 (CNM2). Also called: MYOTUBULAR MYOPATHY, AUTOSOMAL RECESSIVE. Identifiers: Orphanet 169186, MedGen CN031787, MONDO:0009709, OMIM 255200.

Submission:

Labcorp Genetics (formerly Invitae), Labcorp
Classification: Uncertain significance for Myopathy, centronuclear, 2. Last evaluated: 2025-05-13. Review status: criteria provided, single submitter. Criteria: Invitae Variant Classification Sherloc (09022015). Collection method: clinical testing. Allele origin: germline.
Comment: This sequence change replaces threonine, which is neutral and polar, with isoleucine, which is neutral and non-polar, at codon 67 of the BIN1 protein (p.Thr67Ile). This variant is not present in population databases (gnomAD no frequency). This variant has not been reported in the literature in individuals affected with BIN1-related conditions. Invitae Evidence Modeling of protein sequence and biophysical properties (such as structural, functional, and spatial information, amino acid conservation, physicochemical variation, residue mobility, and thermodynamic stability) indicates that this missense variant is not expected to disrupt BIN1 protein function with a negative predictive value of 80%. In summary, the available evidence is currently insufficient to determine the role of this variant in disease. Therefore, it has been classified as a Variant of Uncertain Significance.